The following is an entry in ClinVar:

ClinVar aggregate classification (germline): Uncertain significance (1 of 4 stars; one submission).

Allele frequency attached by ClinVar (database versions not stated): ExAC 0.00001.

Submission:

Labcorp Genetics (formerly Invitae), Labcorp
Classification: Uncertain significance. Last evaluated: 2018-05-29. Review status: criteria provided, single submitter. Criteria: Invitae Variant Classification Sherloc (09022015). Collection method: clinical testing. Allele origin: germline.
Comment: This sequence change replaces aspartic acid with tyrosine at codon 2128 of the POLE protein (p.Asp2128Tyr). The aspartic acid residue is moderately conserved and there is a large physicochemical difference between aspartic acid and tyrosine. This variant is present in population databases (rs778102693, ExAC 0.002%). In summary, the available evidence is currently insufficient to determine the role of this variant in disease. Therefore, it has been classified as a Variant of Uncertain Significance. This variant has not been reported in the literature in individuals with POLE-related disease. Algorithms developed to predict the effect of missense changes on protein structure and function are either unavailable or do not agree on the potential impact of this missense change (SIFT: "Deleterious"; PolyPhen-2: "Probably Damaging"; Align-GVGD: "Class C0").

NM_006231.4(POLE):c.6382G>T (p.Asp2128Tyr)

Gene: POLE (DNA polymerase epsilon, catalytic subunit; minus strand). Cytogenetic location: 12q24.33.
Variant type: single nucleotide variant.
Coding change: c.6382G>T on transcript NM_006231.4 (MANE Select); coding-DNA position 6382, G replaced by T.
Protein change: p.Asp2128Tyr; replaces aspartic acid 2128 with tyrosine.
Molecular consequence: missense variant.
Genome position (GRCh38, 1-based): chr12:132,626,266, C>A on the plus strand (G>T on the coding strand, the complement: POLE is on the minus strand). VCF-style: chr12-132626266-C-A. GRCh37 (hg19) VCF-style: chr12-133202852-C-A.
Other names: short protein forms D2128Y.
Identifiers: ClinVar variation 570544 (VCV000570544.8), dbSNP rs778102693, ClinGen allele CA6892191.